The following is an entry in ClinVar:

NM_000065.5(C6):c.2510G>A (p.Cys837Tyr)

Gene: C6 (complement C6; minus strand). Cytogenetic location: 5p13.1.
Variant type: single nucleotide variant.
Coding change: c.2510G>A on transcript NM_000065.5 (MANE Select); coding-DNA position 2510, G replaced by A.
Protein change: p.Cys837Tyr; replaces cysteine 837 with tyrosine.
Molecular consequence: missense variant.
Genome position (GRCh38, 1-based): chr5:41,149,354, C>T on the plus strand (G>A on the coding strand, the complement: C6 is on the minus strand). VCF-style: chr5-41149354-C-T. GRCh37 (hg19) VCF-style: chr5-41149456-C-T.
Other names: c.2510G>A, p.Cys837Tyr (NM_001115131.4); short protein forms C837Y.
Identifiers: ClinVar variation 1960681 (VCV001960681.5), dbSNP rs1746154305, ClinGen allele CA359593113.

ClinVar aggregate classification (germline): Uncertain significance (1 of 4 stars; one submission).

Allele frequency attached by ClinVar (database versions not stated): gnomAD 0.00001.
gnomAD v4.1: 1 of 1,613,962 alleles (0.000062%); highest among the groups gnomAD compares: Admixed American, 0.0017%; no homozygotes.

Submission:

Labcorp Genetics (formerly Invitae), Labcorp
Classification: Uncertain significance. Last evaluated: 2021-12-13. Review status: criteria provided, single submitter. Criteria: Invitae Variant Classification Sherloc (09022015). Collection method: clinical testing. Allele origin: germline.
Comment: This sequence change replaces cysteine, which is neutral and slightly polar, with tyrosine, which is neutral and polar, at codon 837 of the C6 protein (p.Cys837Tyr). This variant is not present in population databases (gnomAD no frequency). This variant has not been reported in the literature in individuals affected with C6-related conditions. Algorithms developed to predict the effect of missense changes on protein structure and function are either unavailable or do not agree on the potential impact of this missense change (SIFT: "Deleterious"; PolyPhen-2: "Probably Damaging"; Align-GVGD: "Class C0"). In summary, the available evidence is currently insufficient to determine the role of this variant in disease. Therefore, it has been classified as a Variant of Uncertain Significance.